The following is an entry in ClinVar:

ClinVar aggregate classification (germline): Uncertain significance (1 of 4 stars; one submission).

Conditions:
Dyskeratosis congenita. Identifiers: Orphanet 1775, MedGen C0265965, MONDO:0015780.

Submission:

Sema4
Classification: Uncertain significance for Dyskeratosis congenita. Last evaluated: 2021-09-09. Review status: criteria provided, single submitter. Criteria: Sema4 Curation Guidelines. Collection method: curation. Allele origin: germline.
Comment: The CTC1 c.853G>C (p.E285Q) variant has not been reported in the literature to our knowledge. It was not observed in the large and broad cohorts of the Genome Aggregation Database (PMID: 32461654). The variant has not been reported in ClinVar. Functional studies have not been performed, and in silico predictions of the variant's effect on protein function are inconclusive. The evidence is insufficient to meet ACMG/AMP criteria for classifying the variant as benign or pathogenic. Thus, the clinical significance of this variant is currently uncertain.

NM_025099.6(CTC1):c.853G>C (p.Glu285Gln)

Gene: CTC1 (CST telomere replication complex component 1; minus strand). Cytogenetic location: 17p13.1.
Variant type: single nucleotide variant.
Coding change: c.853G>C on transcript NM_025099.6 (MANE Select); coding-DNA position 853, G replaced by C.
Protein change: p.Glu285Gln; replaces glutamic acid 285 with glutamine.
Molecular consequence: missense variant. On other transcripts: non-coding transcript variant (1).
Genome position (GRCh38, 1-based): chr17:8,236,282, C>G on the plus strand (G>C on the coding strand, the complement: CTC1 is on the minus strand). VCF-style: chr17-8236282-C-G. GRCh37 (hg19) VCF-style: chr17-8139600-C-G.
Other names: short protein forms E285Q.
Identifiers: ClinVar variation 1691972 (VCV001691972.1), dbSNP rs2151523962, ClinGen allele CA397988898.